The following is an entry in ClinVar:

NM_000238.4(KCNH2):c.939C>A (p.Ser313Arg)

Gene: KCNH2 (potassium voltage-gated channel subfamily H member 2; minus strand). Cytogenetic location: 7q36.1.
Variant type: single nucleotide variant.
Coding change: c.939C>A on transcript NM_000238.4 (MANE Select); coding-DNA position 939, C replaced by A.
Protein change: p.Ser313Arg; replaces serine 313 with arginine.
Molecular consequence: missense variant. On other transcripts: non-coding transcript variant (1).
Genome position (GRCh38, 1-based): chr7:150,957,480, G>T on the plus strand (C>A on the coding strand, the complement: KCNH2 is on the minus strand). VCF-style: chr7-150957480-G-T. GRCh37 (hg19) VCF-style: chr7-150654568-G-T.
Other names: c.651C>A, p.Ser217Arg (NM_001406753.1, NM_001406756.1); c.762C>A, p.Ser254Arg (NM_001406755.1); c.639C>A, p.Ser213Arg (NM_001406757.1); c.939C>A, p.Ser313Arg (NM_172056.3); short protein forms S213R, S217R, S254R, S313R.
Identifiers: ClinVar variation 3894225 (VCV003894225.1).
Genomic context (GRCh38, chr7:150,957,480, plus strand): 5'-AATCTTGCTAATGGTGCGGTAGCGCACGAGGTCGGAGTCCGAGGTGGAGTTGAGCAAGCC[G>T]CTGCGCAGTGGGTGCATGGCCCCTAGGTGGAGAGGCAGCGTGGTCAGGCCAGCAGCCCAG-3'
Protein context (NP_000229.1, residues 303-323): ASTGAMHPLR[Ser313Arg]GLLNSTSDSD

ClinVar aggregate classification (germline): Uncertain significance (1 of 4 stars; one submission).

Conditions:
Cardiac arrhythmia. Also called: Cardiac rhythm disease; Arrhythmia. Identifiers: MedGen C0003811, MONDO:0007263, HP:0011675.

Submission:

Color Diagnostics, LLC DBA Color Health
Classification: Uncertain significance for Cardiac arrhythmia. Last evaluated: 2025-01-19. Review status: criteria provided, single submitter. Criteria: ACMG Guidelines, 2015. Collection method: clinical testing. Allele origin: germline.
Comment: This missense variant replaces serine with arginine at codon 313 of the KCNH2 protein. Computational prediction is inconclusive regarding the impact of this variant on protein structure and function (internally defined REVEL score threshold 0.5 < inconclusive < 0.7, PMID: 27666373). To our knowledge, functional studies have not been reported for this variant. This variant has not been reported in individuals affected with KCNH2-related disorders in the literature. This variant has not been identified in the general population by the Genome Aggregation Database (gnomAD). The available evidence is insufficient to determine the role of this variant in disease conclusively. Therefore, this variant is classified as a Variant of Uncertain Significance.